The following is an entry in ClinVar:

ClinVar aggregate classification (germline): Uncertain significance (1 of 4 stars; one submission).

gnomAD v4.1: 4 of 1,613,296 alleles (0.00025%); highest among the groups gnomAD compares: African/African-American, 0.004%; no homozygotes.

Submission:

GeneDx
Classification: Uncertain significance. Last evaluated: 2025-03-18. Review status: criteria provided, single submitter. Criteria: GeneDx Variant Classification Process June 2021. Collection method: clinical testing. Allele origin: germline. Affected: yes.
Comment: Not observed at significant frequency in large population cohorts (gnomAD); Has not been previously published as pathogenic or benign to our knowledge; Alters the Kozak sequence, which plays a major role in the initiation of translation

NM_017837.4(PIGV):c.-6G>A

Gene: PIGV (phosphatidylinositol glycan anchor biosynthesis class V; plus strand). Cytogenetic location: 1p36.11.
Variant type: single nucleotide variant.
Coding change: c.-6G>A on transcript NM_017837.4 (MANE Select); 6 bases upstream of the start codon, G replaced by A.
Molecular consequence: 5 prime UTR variant. On other transcripts: non-coding transcript variant (2), intron variant (1).
Genome position (GRCh38, 1-based): chr1:26,790,810, G>A. VCF-style: chr1-26790810-G-A. GRCh37 (hg19) VCF-style: chr1-27117301-G-A.
Other names: c.-6G>A (NM_001374481.1, NM_001374482.1, NM_001374484.1 and 5 more transcripts); c.-304+3004G>A (NM_001374483.1).
Identifiers: ClinVar variation 4086566 (VCV004086566.1).